The following is an entry in ClinVar:

ClinVar aggregate classification (germline): Uncertain significance (1 of 4 stars; one submission).

Allele frequency attached by ClinVar (database versions not stated): gnomAD exomes below 0.00001.
gnomAD v4.1: 2 of 1,613,202 alleles (0.00012%); highest among the groups gnomAD compares: Non-Finnish European, 0.000085%; no homozygotes.

Submission:

Ambry Genetics
Classification: Uncertain significance. Last evaluated: 2024-06-16. Review status: criteria provided, single submitter. Criteria: Ambry Variant Classification Scheme 2023. Collection method: clinical testing. Allele origin: germline.
Comment: The p.P173T variant (also known as c.517C>A), located in coding exon 3 of the MNDA gene, results from a C to A substitution at nucleotide position 517. The proline at codon 173 is replaced by threonine, an amino acid with highly similar properties. This amino acid position is conserved. In addition, this alteration is predicted to be tolerated by in silico analysis. Since supporting evidence is limited at this time, the clinical significance of this alteration remains unclear.

NM_002432.3(MNDA):c.517C>A (p.Pro173Thr)

Gene: MNDA (myeloid cell nuclear differentiation antigen; plus strand). Cytogenetic location: 1q23.1.
Variant type: single nucleotide variant.
Coding change: c.517C>A on transcript NM_002432.3 (MANE Select); coding-DNA position 517, C replaced by A.
Protein change: p.Pro173Thr; replaces proline 173 with threonine.
Molecular consequence: missense variant.
Genome position (GRCh38, 1-based): chr1:158,844,069, C>A. VCF-style: chr1-158844069-C-A. GRCh37 (hg19) VCF-style: chr1-158813859-C-A.
Other names: short protein forms P173T.
Identifiers: ClinVar variation 1745836 (VCV001745836.3), dbSNP rs2526081991, ClinGen allele CA343039364.